The following is an entry in ClinVar:

NM_000784.4(CYP27A1):c.1078G>C (p.Ala360Pro)

Gene: CYP27A1 (cytochrome P450 family 27 subfamily A member 1; plus strand). Cytogenetic location: 2q35.
Variant type: single nucleotide variant.
Coding change: c.1078G>C on transcript NM_000784.4 (MANE Select); coding-DNA position 1078, G replaced by C.
Protein change: p.Ala360Pro; replaces alanine 360 with proline.
Molecular consequence: missense variant.
Genome position (GRCh38, 1-based): chr2:218,814,081, G>C. VCF-style: chr2-218814081-G-C. GRCh37 (hg19) VCF-style: chr2-219678804-G-C.
Other names: short protein forms A360P.
Identifiers: ClinVar variation 1355193 (VCV001355193.8), dbSNP rs1463950337, ClinGen allele CA350591718.

ClinVar aggregate classification (germline): Uncertain significance (1 of 4 stars; one submission).

Conditions:
Cholestanol storage disease (CTX). Also called: CEREBRAL CHOLESTERINOSIS; CTX: Cerebrotendinous xanthomatosis; Cerebrotendinous Xanthomatosis. Identifiers: Orphanet 909, MedGen C0238052, MONDO:0008948, OMIM 213700.

Submission:

Labcorp Genetics (formerly Invitae), Labcorp
Classification: Uncertain significance for Cholestanol storage disease. Last evaluated: 2021-05-19. Review status: criteria provided, single submitter. Criteria: Invitae Variant Classification Sherloc (09022015). Collection method: clinical testing. Allele origin: germline.
Comment: This sequence change replaces alanine with proline at codon 360 of the CYP27A1 protein (p.Ala360Pro). The alanine residue is highly conserved and there is a small physicochemical difference between alanine and proline. This variant is not present in population databases (ExAC no frequency). This variant has not been reported in the literature in individuals with CYP27A1-related conditions. Advanced modeling of protein sequence and biophysical properties (such as structural, functional, and spatial information, amino acid conservation, physicochemical variation, residue mobility, and thermodynamic stability) performed at Invitae indicates that this missense variant is not expected to disrupt CYP27A1 protein function. In summary, the available evidence is currently insufficient to determine the role of this variant in disease. Therefore, it has been classified as a Variant of Uncertain Significance.